The following is an entry in ClinVar:

NM_001242882.2(NAXD):c.46+101C>G

Genes: NAXD (NAD(P)HX dehydratase; plus strand), NAXD-AS1 (NAXD antisense RNA 1; minus strand). Cytogenetic location: 13q34.
Variant type: single nucleotide variant.
Coding change: c.46+101C>G on transcript NM_001242882.2 (MANE Select); 101 bases into the intron after coding-DNA position 46, C replaced by G.
Molecular consequence: intron variant. On other transcripts: missense variant (2).
Genome position (GRCh38, 1-based): chr13:110,615,748, C>G. VCF-style: chr13-110615748-C-G. GRCh37 (hg19) VCF-style: chr13-111268095-C-G.
Other names: c.74C>G, p.Ala25Gly (NM_001242881.2, NM_018210.4); c.56+101C>G (NM_001242883.2); short protein forms A25G.
Identifiers: ClinVar variation 2111581 (VCV002111581.4), dbSNP rs2501635665, ClinGen allele CA388727795.
Genomic context (GRCh38, chr13:110,615,748, plus strand): 5'-CGGGGGCCGGAACTGCCGTCGCCGGCGCGGTCGTTGTCGCATTGCTCTCGGCCGCACTCG[C>G]GCTGTACGGGCCGCCACTGGACGCAGGTACCCGACCGCTGACCGCCTCTGCTGGCTCGCG-3'

ClinVar aggregate classification (germline): Uncertain significance (1 of 4 stars; one submission).

gnomAD v4.1: 1 of 1,471,622 alleles (0.000068%); highest among the groups gnomAD compares: Non-Finnish European, 0.00009%; no homozygotes.

Submission:

Labcorp Genetics (formerly Invitae), Labcorp
Classification: Uncertain significance. Last evaluated: 2022-07-15. Review status: criteria provided, single submitter. Criteria: Invitae Variant Classification Sherloc (09022015). Collection method: clinical testing. Allele origin: germline.
Comment: This sequence change replaces alanine, which is neutral and non-polar, with glycine, which is neutral and non-polar, at codon 25 of the NAXD protein (p.Ala25Gly). This variant is not present in population databases (gnomAD no frequency). In summary, the available evidence is currently insufficient to determine the role of this variant in disease. Therefore, it has been classified as a Variant of Uncertain Significance. Algorithms developed to predict the effect of missense changes on protein structure and function are either unavailable or do not agree on the potential impact of this missense change (SIFT: "Tolerated"; PolyPhen-2: "Not Available"; Align-GVGD: "Class C0"). This variant has not been reported in the literature in individuals affected with NAXD-related conditions.